The following is an entry in ClinVar:

ClinVar aggregate classification (germline): Uncertain significance (1 of 4 stars; one submission).

Submission:

Ambry Genetics
Classification: Uncertain significance. Last evaluated: 2022-06-01. Review status: criteria provided, single submitter. Criteria: Ambry Variant Classification Scheme 2023. Collection method: clinical testing. Allele origin: germline.
Comment: The p.D1030V variant (also known as c.3089A>T), located in coding exon 4 of the ALPK2 gene, results from an A to T substitution at nucleotide position 3089. The aspartic acid at codon 1030 is replaced by valine, an amino acid with highly dissimilar properties. This amino acid position is conserved. In addition, this alteration is predicted to be tolerated by in silico analysis. Since supporting evidence is limited at this time, the clinical significance of this alteration remains unclear.

NM_052947.4(ALPK2):c.3089A>T (p.Asp1030Val)

Gene: ALPK2 (alpha kinase 2; minus strand). Cytogenetic location: 18q21.31.
Variant type: single nucleotide variant.
Coding change: c.3089A>T on transcript NM_052947.4 (MANE Select); coding-DNA position 3089, A replaced by T.
Protein change: p.Asp1030Val; replaces aspartic acid 1030 with valine.
Molecular consequence: missense variant.
Genome position (GRCh38, 1-based): chr18:58,537,098, T>A on the plus strand (A>T on the coding strand, the complement: ALPK2 is on the minus strand). VCF-style: chr18-58537098-T-A. GRCh37 (hg19) VCF-style: chr18-56204330-T-A.
Other names: short protein forms D1030V.
Identifiers: ClinVar variation 1727419 (VCV001727419.2), dbSNP rs2518876910, ClinGen allele CA402569129.